The following is an entry in ClinVar:

ClinVar aggregate classification (germline): Uncertain significance (1 of 4 stars; one submission).

Conditions:
Hereditary cancer-predisposing syndrome. Also called: Hereditary neoplastic syndrome; Neoplastic Syndromes, Hereditary; Tumor predisposition; Hereditary Cancer Syndrome. Identifiers: Orphanet 140162, MedGen C0027672, MeSH D009386, MONDO:0015356.

Submission:

Ambry Genetics
Classification: Uncertain significance for Hereditary cancer-predisposing syndrome. Last evaluated: 2022-05-21. Review status: criteria provided, single submitter. Criteria: Ambry Variant Classification Scheme 2023. Collection method: clinical testing. Allele origin: germline.
Comment: The p.S2498F variant (also known as c.7493C>T), located in coding exon 49 of the ATM gene, results from a C to T substitution at nucleotide position 7493. The serine at codon 2498 is replaced by phenylalanine, an amino acid with highly dissimilar properties. This amino acid position is conserved. In addition, this alteration is predicted to be tolerated by in silico analysis. Since supporting evidence is limited at this time, the clinical significance of this alteration remains unclear.

NM_000051.4(ATM):c.7493C>T (p.Ser2498Phe)

Genes: ATM (ATM serine/threonine kinase; plus strand), C11orf65 (chromosome 11 open reading frame 65; minus strand). Cytogenetic location: 11q22.3.
Variant type: single nucleotide variant.
Coding change: c.7493C>T on transcript NM_000051.4 (MANE Select); coding-DNA position 7493, C replaced by T.
Protein change: p.Ser2498Phe; replaces serine 2498 with phenylalanine.
Molecular consequence: missense variant. On other transcripts: intron variant (2).
Genome position (GRCh38, 1-based): chr11:108,330,399, C>T. VCF-style: chr11-108330399-C-T. GRCh37 (hg19) VCF-style: chr11-108201126-C-T.
Other names: c.7493C>T, p.Ser2498Phe (NM_001351834.2); c.641-21328G>A (NM_001330368.2); c.*38+4821G>A (NM_001351110.2); short protein forms S2498F.
Identifiers: ClinVar variation 1759168 (VCV001759168.2), dbSNP rs2136463142, ClinGen allele CA382560537.
Genomic context (GRCh38, chr11:108,330,399, plus strand): 5'-AAGAACATGATATGTGGGTATTCCGACTTTGTTCCCTCTGGCTTGAAAATTCTGGAGTTT[C>T]TGAAGTCAATGGCATGATGAAGGCAAGTGTTACTCAGCCCAATATTCTACCCTGTGCTTG-3'
Protein context (NP_000042.3, residues 2488-2508): CSLWLENSGV[Ser2498Phe]EVNGMMKRDG